The following is an entry in ClinVar:

NM_015213.4(DENND5A):c.2161C>T (p.Gln721Ter)

Gene: DENND5A (DENN domain containing 5A; minus strand). Cytogenetic location: 11p15.4.
Variant type: single nucleotide variant.
Coding change: c.2161C>T on transcript NM_015213.4 (MANE Select); coding-DNA position 2161, C replaced by T.
Protein change: p.Gln721Ter; replaces glutamine 721 with a stop codon.
Molecular consequence: nonsense. On other transcripts: non-coding transcript variant (1).
Genome position (GRCh38, 1-based): chr11:9,165,958, G>A on the plus strand (C>T on the coding strand, the complement: DENND5A is on the minus strand). VCF-style: chr11-9165958-G-A. GRCh37 (hg19) VCF-style: chr11-9187505-G-A.
Other names: c.2089C>T, p.Gln697Ter (NM_001348749.2); c.1873C>T, p.Gln625Ter (NM_001348750.2); c.2161C>T, p.Gln721Ter (NM_001243254.2); short protein forms Q721*, Q625*, Q697*.
Identifiers: ClinVar variation 3660574 (VCV003660574.2).
Genomic context (GRCh38, chr11:9,165,958, plus strand): 5'-ATGGAGAGAGGTTGGACAGTTTGGGCTGGCGGATAGTGCTGCCCATAGTCCTGGCTTCCT[G>A]GATGTACTTCTATATCAAACAGAAAAATAAAGACCCTTTGTGTCCATGTACATAAACCAA-3'

ClinVar aggregate classification (germline): Pathogenic (1 of 4 stars; one submission).

gnomAD v4.1: 1 of 1,614,092 alleles (0.000062%); no homozygotes.

Submission:

Labcorp Genetics (formerly Invitae), Labcorp
Classification: Pathogenic. Last evaluated: 2024-07-25. Review status: criteria provided, single submitter. Criteria: Invitae Variant Classification Sherloc (09022015). Collection method: clinical testing. Allele origin: germline.
Comment: This sequence change creates a premature translational stop signal (p.Gln721*) in the DENND5A gene. It is expected to result in an absent or disrupted protein product. Loss-of-function variants in DENND5A are known to be pathogenic (PMID: 27431290, 27866705). This variant is not present in population databases (gnomAD no frequency). This variant has not been reported in the literature in individuals affected with DENND5A-related conditions. Algorithms developed to predict the effect of sequence changes on RNA splicing suggest that this variant may disrupt the consensus splice site. For these reasons, this variant has been classified as Pathogenic.

Literature cited by the submitters: PubMed 27431290; PubMed 27866705.